The following is an entry in ClinVar:

NM_000454.5(SOD1):c.358-10T>G

Gene: SOD1 (superoxide dismutase 1; plus strand). Cytogenetic location: 21q22.11.
Variant type: single nucleotide variant.
Coding change: c.358-10T>G on transcript NM_000454.5 (MANE Select); 10 bases into the intron before coding-DNA position 358, T replaced by G.
Molecular consequence: intron variant.
Genome position (GRCh38, 1-based): chr21:31,668,461, T>G. VCF-style: chr21-31668461-T-G. GRCh37 (hg19) VCF-style: chr21-33040774-T-G.
Other names: IVS4AS, T-G, -10.
Identifiers: ClinVar variation 14770 (VCV000014770.12), dbSNP rs1197141604, ClinGen allele CA637247607.

ClinVar aggregate classification (germline): Pathogenic/Likely pathogenic. Review status: criteria provided, multiple submitters, no conflicts (2 of 4 stars). 4 submissions from 4 submitters: Pathogenic (2); Likely pathogenic (1). 1 of the submissions does not count toward it. Last evaluated 2025-12-30.

Conditions:
SOD1-related disorder. Also called: SOD1-related condition.
Amyotrophic lateral sclerosis type 1 (ALS1). Also called: AMYOTROPHIC LATERAL SCLEROSIS 1, FAMILIAL. Identifiers: Orphanet 803, MedGen C1862939, MONDO:0007103, OMIM 105400.

Allele frequency attached by ClinVar (database versions not stated): gnomAD exomes 0.00001.

Submissions (4):

PreventionGenetics, part of Exact Sciences
Classification: Pathogenic for SOD1-related condition. Last evaluated: 2025-12-30. Review status: criteria provided, single submitter. Criteria: ACMG Guidelines, 2015. Collection method: clinical testing. Allele origin: germline.
Comment: The SOD1 c.358-10T>G variant is predicted to interfere with splicing. This variant has been reported in individuals with amyotrophic lateral sclerosis (Sapp et al. 1995. PubMed ID: 7496169; Bernard et al. 2020. PubMed ID: 32948071; Muratet et al. 2021. PubMed ID: 33785574). In one family, it segregated with disease in eight individuals across four generations (Muratet et al. 2021. PubMed ID: 33785574). mRNA studies indicate this variant results in an in-frame insertion of nine base pairs between exons 4 and 5 (Sapp et al. 1995. PubMed ID: 7496169; Muratet et al. 2021. PubMed ID: 33785574). This variant is reported in 0.0018% of alleles in individuals of European (non-Finnish) descent in gnomAD. This variant is interpreted as pathogenic.

Labcorp Genetics (formerly Invitae), Labcorp
Classification: Pathogenic for Amyotrophic lateral sclerosis type 1. Last evaluated: 2024-12-20. Review status: criteria provided, single submitter. Criteria: Invitae Variant Classification Sherloc (09022015). Collection method: clinical testing. Allele origin: germline.
Comment: This sequence change falls in intron 4 of the SOD1 gene. It does not directly change the encoded amino acid sequence of the SOD1 protein. RNA analysis indicates that this variant induces altered splicing and likely results in the gain of 3 amino acid residue(s), but is expected to preserve the integrity of the reading-frame. This variant is present in population databases (no rsID available, gnomAD 0.002%). This variant has been observed in individuals with autosomal dominant amyotrophic lateral sclerosis (PMID: 7496169, 32948071, 33785574). It has also been observed to segregate with disease in related individuals. ClinVar contains an entry for this variant (Variation ID: 14770). Studies have shown that this variant results in the activation of a cryptic splice site in intron 4 (PMID: 7496169, 33785574). For these reasons, this variant has been classified as Pathogenic.

GeneDx
Classification: Likely pathogenic. Last evaluated: 2024-03-18. Review status: criteria provided, single submitter. Criteria: GeneDx Variant Classification Process June 2021. Collection method: clinical testing. Allele origin: germline. Affected: yes.
Comment: Analysis of mRNA derived from patient cells identified both wildtype transcript and an abnormal transcript with a 9 base-pair insertion; however, further studies are needed to clarify the impact of the abnormal transcript (PMID: 7496169, 33785574); In silico analysis supports a deleterious effect on splicing; Not observed at significant frequency in large population cohorts (gnomAD); This variant is associated with the following publications: (PMID: 32471232, 7496169, 18504130, 37337091, 33906934, 33785574, 35328090, 38383503, 32948071)

OMIM
Classification: Pathogenic for AMYOTROPHIC LATERAL SCLEROSIS 1. Last evaluated: 1995-09-01. Review status: no assertion criteria provided. Collection method: literature only. Allele origin: germline. Not counted in ClinVar's aggregate classification.

Literature cited by the submitters: PubMed 7496169 (cited by Labcorp Genetics (formerly Invitae), Labcorp and OMIM); PubMed 32948071 (cited by Labcorp Genetics (formerly Invitae), Labcorp); PubMed 33785574 (cited by Labcorp Genetics (formerly Invitae), Labcorp).